The following is an entry in ClinVar:

NM_014270.5(SLC7A9):c.604G>C (p.Gly202Arg)

Gene: SLC7A9 (solute carrier family 7 member 9; minus strand). Cytogenetic location: 19q13.11.
Variant type: single nucleotide variant.
Coding change: c.604G>C on transcript NM_014270.5 (MANE Select); coding-DNA position 604, G replaced by C.
Protein change: p.Gly202Arg; replaces glycine 202 with arginine.
Molecular consequence: missense variant.
Genome position (GRCh38, 1-based): chr19:32,862,461, C>G on the plus strand (G>C on the coding strand, the complement: SLC7A9 is on the minus strand). VCF-style: chr19-32862461-C-G. GRCh37 (hg19) VCF-style: chr19-33353367-C-G.
Other names: c.604G>C, p.Gly202Arg (NM_001126335.2, NM_001243036.2); short protein forms G202R.
Identifiers: ClinVar variation 1066719 (VCV001066719.9), dbSNP rs2145842712, ClinGen allele CA405202709.
Genomic context (GRCh38, chr19:32,862,461, plus strand): 5'-GCTCCCAGTGGAAGGGCGTTTGGTGTGTGCCCGTGCAGGGCCCACCCTCCCGTGGGTCAC[C>G]TTGGGCCAGGAGCACCAGCCCGCTGATGATGATGATGGCCACGATCACCAGCTTGGCCGC-3'
Protein context (NP_055085.1, residues 192-212): IISGLVLLAQ[Gly202Arg]NTKNFDNSFE

ClinVar aggregate classification (germline): Likely pathogenic (1 of 4 stars; one submission).

Submission:

Labcorp Genetics (formerly Invitae), Labcorp
Classification: Likely pathogenic. Last evaluated: 2020-02-18. Review status: criteria provided, single submitter. Criteria: Invitae Variant Classification Sherloc (09022015). Collection method: clinical testing. Allele origin: germline.
Comment: This variant has been observed in individual(s) with clinical features of cystinuria (Invitae). In at least one individual the data is consistent with the variant being in trans (on the opposite chromosome) from a pathogenic variant. This variant is not present in population databases (ExAC no frequency). This sequence change replaces glycine with arginine at codon 202 of the SLC7A9 protein (p.Gly202Arg). The glycine residue is highly conserved and there is a moderate physicochemical difference between glycine and arginine. This variant also falls at the last nucleotide of exon 5 of the SLC7A9 coding sequence, which is part of the consensus splice site for this exon. Algorithms developed to predict the effect of missense changes on protein structure and function are either unavailable or do not agree on the potential impact of this missense change (SIFT: "Tolerated"; PolyPhen-2: "Probably Damaging"; Align-GVGD: "Class C0"). In summary, the currently available evidence indicates that the variant is pathogenic, but additional data are needed to prove that conclusively. Therefore, this variant has been classified as Likely Pathogenic. Nucleotide substitutions within the consensus splice site are a relatively common cause of aberrant splicing (PMID: 17576681, 9536098). Algorithms developed to predict the effect of sequence changes on RNA splicing suggest that this variant may disrupt the consensus splice site, but this prediction has not been confirmed by published transcriptional studies.

Literature cited by the submitters: PubMed 17576681; PubMed 9536098.